The following is an entry in ClinVar:

ClinVar aggregate classification (germline): Pathogenic. Review status: reviewed by expert panel (3 of 4 stars). 2 submissions from 2 submitters: Pathogenic (1). 1 of the submissions does not count toward it. Last evaluated 2016-09-08.

Conditions:
Breast-ovarian cancer, familial, susceptibility to, 2 (BROVCA2). Also called: BRCA2 Hereditary Breast and Ovarian Cancer. Identifiers: Orphanet 145, MedGen C2675520, MONDO:0012933, OMIM 612555. Disease mechanism: loss of function.

Submissions (2):

Evidence-based Network for the Interpretation of Germline Mutant Alleles (ENIGMA)
Classification: Pathogenic for Breast-ovarian cancer, familial, susceptibility to, 2. Last evaluated: 2016-09-08. Review status: reviewed by expert panel. Criteria: ENIGMA BRCA1/2 Classification Criteria (2015). Collection method: curation. Allele origin: germline.
Comment: Variant allele predicted to encode a truncated non-functional protein.

Sharing Clinical Reports Project (SCRP)
Classification: Pathogenic for Breast-ovarian cancer, familial 2. Last evaluated: 2011-02-07. Review status: no assertion criteria provided. Collection method: clinical testing. Allele origin: germline. Not counted in ClinVar's aggregate classification.

NM_000059.4(BRCA2):c.3182del (p.Lys1061fs)

Gene: BRCA2 (BRCA2 DNA repair associated; plus strand). Cytogenetic location: 13q13.1.
Variant type: Deletion.
Coding change: c.3182del on transcript NM_000059.4 (MANE Select); coding-DNA position 3182, one base deleted (A; older notation c.3182delA).
Protein change: p.Lys1061fs; shifts the reading frame from lysine 1061.
Molecular consequence: frameshift variant.
Genome position (GRCh38, 1-based): chr13:32,337,537, A deleted; the last of 2 consecutive A bases (chr13:32,337,536-32,337,537); deleting either gives the same sequence. VCF-style (leftmost placement, unchanged base first): chr13-32337535-CA-C. GRCh37 (hg19) VCF-style: chr13-32911672-CA-C.
Other names: 3410delA; c.3182delA (NM_000059.3); short protein forms K1061fs.
Identifiers: ClinVar variation 37827 (VCV000037827.2), dbSNP rs397507304, ClinGen allele CA017486.